The following is an entry in ClinVar:

ClinVar aggregate classification (germline): Conflicting classifications of pathogenicity. Review status: criteria provided, conflicting classifications (1 of 4 stars). 6 submissions from 6 submitters: Uncertain significance (2); Likely benign (3). 1 of the submissions does not count toward it. Last evaluated 2026-01-11.

Conditions:
ABCB4-related disorder. Also called: ABCB4-related disorders; ABCB4-related condition.

Allele frequency attached by ClinVar (database versions not stated): gnomAD exomes 0.00001; ExAC 0.00002; gnomAD 0.00015 and 0.00016; TOPMed 0.00015.
gnomAD v4.1: 44 of 1,613,976 alleles (0.0027%); highest among the groups gnomAD compares: Middle Eastern, 0.049%; no homozygotes.

Submissions (6):

Labcorp Genetics (formerly Invitae), Labcorp
Classification: Likely benign. Last evaluated: 2026-01-11. Review status: criteria provided, single submitter. Criteria: Invitae Variant Classification Sherloc (09022015). Collection method: clinical testing. Allele origin: germline.

Mayo Clinic Laboratories, Mayo Clinic
Classification: Likely benign. Last evaluated: 2025-09-22. Review status: criteria provided, single submitter. Criteria: ACMG Guidelines, 2015. Collection method: clinical testing. Allele origin: germline. Observed: 1 variant allele.
Comment: BP4, BP7

Blueprint Genetics
Classification: Likely benign. Last evaluated: 2023-04-12. Review status: criteria provided, single submitter. Criteria: ACMG Guidelines, 2015. Collection method: clinical testing. Allele origin: germline.

Eurofins Ntd Llc (ga)
Classification: Uncertain significance. Last evaluated: 2018-07-19. Review status: criteria provided, single submitter. Criteria: EGL ClinVar v180209 classification definitions. Collection method: clinical testing. Allele origin: germline. Observed: 2 variant alleles, 2 heterozygotes.

Breakthrough Genomics
Classification: Uncertain significance. Review status: criteria provided, single submitter. Criteria: ACMG Guidelines, 2015. Collection method: not provided. Allele origin: germline. Inheritance: Autosomal recessive inheritance. Affected: yes.

PreventionGenetics, part of Exact Sciences
Classification: Likely benign for ABCB4-related condition. Last evaluated: 2024-07-12. Review status: no assertion criteria provided. Collection method: clinical testing. Allele origin: germline. Not counted in ClinVar's aggregate classification.
Comment: This variant is classified as likely benign based on ACMG/AMP sequence variant interpretation guidelines (Richards et al. 2015 PMID: 25741868, with internal and published modifications).

NM_000443.4(ABCB4):c.366A>G (p.Gly122=)

Gene: ABCB4 (ATP binding cassette subfamily B member 4; minus strand). Cytogenetic location: 7q21.12.
Variant type: single nucleotide variant.
Coding change: c.366A>G on transcript NM_000443.4 (MANE Select); coding-DNA position 366, A replaced by G.
Protein change: p.Gly122=; no amino-acid change (glycine 122 retained).
Molecular consequence: synonymous variant.
Genome position (GRCh38, 1-based): chr7:87,453,114, T>C on the plus strand (A>G on the coding strand, the complement: ABCB4 is on the minus strand). VCF-style: chr7-87453114-T-C. GRCh37 (hg19) VCF-style: chr7-87082430-T-C.
Other names: p.Gly122=; c.366A>G (NM_000443.3); c.366A>G, p.Gly122= (NM_018849.3, NM_018850.3).
Identifiers: ClinVar variation 501594 (VCV000501594.12), dbSNP rs113445400, ClinGen allele CA4327547.